The following is an entry in ClinVar:

NM_016292.3(TRAP1):c.383G>A (p.Arg128His)

Gene: TRAP1 (TNF receptor associated protein 1; minus strand). Cytogenetic location: 16p13.3.
Variant type: single nucleotide variant.
Coding change: c.383G>A on transcript NM_016292.3 (MANE Select); coding-DNA position 383, G replaced by A.
Protein change: p.Arg128His; replaces arginine 128 with histidine.
Molecular consequence: missense variant.
Genome position (GRCh38, 1-based): chr16:3,686,084, C>T on the plus strand (G>A on the coding strand, the complement: TRAP1 is on the minus strand). VCF-style: chr16-3686084-C-T. GRCh37 (hg19) VCF-style: chr16-3736085-C-T.
Other names: c.224G>A, p.Arg75His (NM_001272049.2); short protein forms R75H, R128H.
Identifiers: ClinVar variation 807977 (VCV000807977.49), dbSNP rs61758086, ClinGen allele CA7868704.

ClinVar aggregate classification (germline): Benign/Likely benign. Review status: criteria provided, multiple submitters, no conflicts (2 of 4 stars). 4 submissions from 4 submitters: Benign (2); Likely benign (2). Last evaluated 2026-09-01.

Allele frequency attached by ClinVar (database versions not stated): ESP Exome Variant Server 0.00146; TOPMed 0.00161; 1000 Genomes Project 0.00280; 1000 Genomes Project 30x 0.00297.
gnomAD v4.1: 4,088 of 1,614,088 alleles (0.25%); highest among the groups gnomAD compares: Middle Eastern, 1.7%; 23 homozygotes.

Submissions (4):

CeGaT Center for Human Genetics Tuebingen
Classification: Benign. Last evaluated: 2026-09-01. Review status: criteria provided, single submitter. Criteria: CeGaT Center For Human Genetics Tuebingen Variant Classification Criteria Version 2. Collection method: clinical testing. Allele origin: germline. Affected: yes. Observed: 4 variant alleles.
Comment: TRAP1: BS1, BS2

Labcorp Genetics (formerly Invitae), Labcorp
Classification: Benign. Last evaluated: 2025-12-20. Review status: criteria provided, single submitter. Criteria: Invitae Variant Classification Sherloc (09022015). Collection method: clinical testing. Allele origin: germline.

Genomic Medicine Center of Excellence, King Faisal Specialist Hospital and Research Centre
Classification: Likely benign. Last evaluated: 2025-08-18. Review status: criteria provided, single submitter. Criteria: ACMG Guidelines, 2015. Collection method: clinical testing. Allele origin: germline.

Breakthrough Genomics
Classification: Likely benign. Review status: criteria provided, single submitter. Criteria: ACMG Guidelines, 2015. Collection method: not provided. Allele origin: germline. Inheritance: Unknown mechanism. Affected: yes.